The following is an entry in ClinVar:

NM_000435.3(NOTCH3):c.1883C>A (p.Pro628His)

Gene: NOTCH3 (notch receptor 3; minus strand). Cytogenetic location: 19p13.12.
Variant type: single nucleotide variant.
Coding change: c.1883C>A on transcript NM_000435.3 (MANE Select); coding-DNA position 1883, C replaced by A.
Protein change: p.Pro628His; replaces proline 628 with histidine.
Molecular consequence: missense variant.
Genome position (GRCh38, 1-based): chr19:15,186,946, G>T on the plus strand (C>A on the coding strand, the complement: NOTCH3 is on the minus strand). VCF-style: chr19-15186946-G-T. GRCh37 (hg19) VCF-style: chr19-15297757-G-T.
Other names: short protein forms P628H.
Identifiers: ClinVar variation 2766559 (VCV002766559.3), dbSNP rs2512657038, ClinGen allele CA404524248.
Genomic context (GRCh38, chr19:15,186,946, plus strand): 5'-CCAGGTTGGCAGACACAGTCGTAGCGGTTGATGCCATCACGGCAGACTCCAAAGGTGCAG[G>T]GGTTGCTGGCACAGTCGTCAATGTTCACTTCGCAGTTCACACCTAGGGGCCAGGAACATG-3'
Protein context (NP_000426.2, residues 618-638): EVNIDDCASN[Pro628His]CTFGVCRDGI

ClinVar aggregate classification (germline): Uncertain significance (1 of 4 stars; one submission).

Submission:

Labcorp Genetics (formerly Invitae), Labcorp
Classification: Uncertain significance. Last evaluated: 2024-10-25. Review status: criteria provided, single submitter. Criteria: Invitae Variant Classification Sherloc (09022015). Collection method: clinical testing. Allele origin: germline.
Comment: This sequence change replaces proline, which is neutral and non-polar, with histidine, which is basic and polar, at codon 628 of the NOTCH3 protein (p.Pro628His). This variant is not present in population databases (gnomAD no frequency). This variant has not been reported in the literature in individuals affected with NOTCH3-related conditions. Invitae Evidence Modeling of protein sequence and biophysical properties (such as structural, functional, and spatial information, amino acid conservation, physicochemical variation, residue mobility, and thermodynamic stability) has been performed for this missense variant. However, the output from this modeling did not meet the statistical confidence thresholds required to predict the impact of this variant on NOTCH3 protein function. In summary, the available evidence is currently insufficient to determine the role of this variant in disease. Therefore, it has been classified as a Variant of Uncertain Significance.